The following is an entry in ClinVar:

ClinVar aggregate classification (germline): Conflicting classifications of pathogenicity. Review status: criteria provided, conflicting classifications (1 of 4 stars). 2 submissions from 2 submitters: Likely pathogenic (1); Uncertain significance (1). Last evaluated 2025-07-15.

Conditions:
Familial cancer of breast. Also called: hereditary breast carcinoma; BREAST CANCER, FAMILIAL; Hereditary breast cancer. Identifiers: Orphanet 227535, MedGen C0346153, MONDO:0016419, OMIM 114480. Disease mechanism: loss of function.
Fanconi anemia complementation group J. Also called: BRIP1-Related Fanconi Anemia. Identifiers: Orphanet 84, MedGen C1836860, MONDO:0012187, OMIM 609054.
Familial ovarian cancer. Identifiers: MedGen C5679802, MONDO:0016248.

Allele frequency attached by ClinVar (database versions not stated): gnomAD exomes below 0.00001; TOPMed below 0.00001; ExAC 0.00001.
gnomAD v4.1: 1 of 1,613,868 alleles (0.000062%); highest among the groups gnomAD compares: Admixed American, 0.0017%; no homozygotes.

Submissions (2):

Labcorp Genetics (formerly Invitae), Labcorp
Classification: Uncertain significance for Familial cancer of breast; Fanconi anemia complementation group J. Last evaluated: 2025-07-15. Review status: criteria provided, single submitter. Criteria: Invitae Variant Classification Sherloc (09022015). Collection method: clinical testing. Allele origin: germline.
Comment: This sequence change creates a premature translational stop signal (p.Trp1002*) in the BRIP1 gene. While this is not anticipated to result in nonsense mediated decay, it is expected to disrupt the last 248 amino acid(s) of the BRIP1 protein. This variant is present in population databases (rs753664225, gnomAD 0.003%). This variant has not been reported in the literature in individuals affected with BRIP1-related conditions. ClinVar contains an entry for this variant (Variation ID: 2016472). In summary, the available evidence is currently insufficient to determine the role of this variant in disease. Therefore, it has been classified as a Variant of Uncertain Significance.

Molecular Pathology, Peter Maccallum Cancer Centre
Classification: Likely pathogenic for Familial ovarian cancer. Last evaluated: 2024-04-17. Review status: criteria provided, single submitter. Criteria: ACMG Guidelines, 2015. Collection method: clinical testing. Allele origin: germline. Inheritance: Autosomal dominant inheritance.

NM_032043.3(BRIP1):c.3005G>A (p.Trp1002Ter)

Gene: BRIP1 (BRCA1 interacting DNA helicase 1; minus strand). Cytogenetic location: 17q23.2.
Variant type: single nucleotide variant.
Coding change: c.3005G>A on transcript NM_032043.3 (MANE Select); coding-DNA position 3005, G replaced by A.
Protein change: p.Trp1002Ter; replaces tryptophan 1002 with a stop codon.
Molecular consequence: nonsense.
Genome position (GRCh38, 1-based): chr17:61,684,041, C>T on the plus strand (G>A on the coding strand, the complement: BRIP1 is on the minus strand). VCF-style: chr17-61684041-C-T. GRCh37 (hg19) VCF-style: chr17-59761402-C-T.
Other names: short protein forms W1002*.
Identifiers: ClinVar variation 2016472 (VCV002016472.5), dbSNP rs753664225, ClinGen allele CA8690412.
Genomic context (GRCh38, chr17:61,684,041, plus strand): 5'-TCAGGTGTTGCCTTCGGTATTTTACCAGTAAAATACTGTCCCAAAGAATTAAAGCTTGAC[C>T]AGCTAACTCTCTTTGTTTGTTTGTTGAAAGTTGGGCTTGTGGATCTGGAAATCACAATTT-3'